The following is an entry in ClinVar:

NM_001134363.3(RBM20):c.25C>T (p.Gln9Ter)

Gene: RBM20 (RNA binding motif protein 20; plus strand). Cytogenetic location: 10q25.2.
Variant type: single nucleotide variant.
Coding change: c.25C>T on transcript NM_001134363.3 (MANE Select); coding-DNA position 25, C replaced by T.
Protein change: p.Gln9Ter; replaces glutamine 9 with a stop codon.
Molecular consequence: nonsense.
Genome position (GRCh38, 1-based): chr10:110,644,479, C>T. VCF-style: chr10-110644479-C-T. GRCh37 (hg19) VCF-style: chr10-112404237-C-T.
Other names: short protein forms Q9*.
Identifiers: ClinVar variation 1019293 (VCV001019293.7), dbSNP rs1861836936, ClinGen allele CA378527314.
Genomic context (GRCh38, chr10:110,644,479, plus strand): 5'-CTCTCTCGCCGCGATCCCGGGCGGGTCTCGCCCCGCATGGTGCTGGCAGCAGCCATGAGC[C>T]AGGACGCGGACCCCAGCGGTCCGGAGCAGCCGGACAGAGTTGCCTGCAGTGTGCCTGGTG-3'

ClinVar aggregate classification (germline): Conflicting classifications of pathogenicity. Review status: criteria provided, conflicting classifications (1 of 4 stars). 2 submissions from 2 submitters: Pathogenic (1); Uncertain significance (1). Last evaluated 2025-12-08.

Conditions:
Dilated cardiomyopathy 1DD (CMD1DD). Identifiers: Orphanet 154, MedGen C2750995, MONDO:0013168, OMIM 613172.

Submissions (2):

Labcorp Genetics (formerly Invitae), Labcorp
Classification: Pathogenic for Dilated cardiomyopathy 1DD. Last evaluated: 2025-12-08. Review status: criteria provided, single submitter. Criteria: Invitae Variant Classification Sherloc (09022015). Collection method: clinical testing. Allele origin: germline.
Comment: This sequence change creates a premature translational stop signal (p.Gln9*) in the RBM20 gene. It is expected to result in an absent or disrupted protein product. Loss-of-function variants in RBM20 are known to be pathogenic (PMID: 20590677, 22004663, 38288598, 38510713, 40339755). This variant is not present in population databases (gnomAD no frequency). This variant has not been reported in the literature in individuals affected with RBM20-related conditions. ClinVar contains an entry for this variant (Variation ID: 1019293). For these reasons, this variant has been classified as Pathogenic.

Fulgent Genetics
Classification: Uncertain significance for Dilated cardiomyopathy 1DD. Last evaluated: 2021-12-06. Review status: criteria provided, single submitter. Criteria: ACMG Guidelines, 2015. Collection method: clinical testing. Allele origin: unknown.

Literature cited by the submitters: PubMed 20590677 (cited by Labcorp Genetics (formerly Invitae), Labcorp); PubMed 22004663 (cited by Labcorp Genetics (formerly Invitae), Labcorp); PubMed 38288598 (cited by Labcorp Genetics (formerly Invitae), Labcorp); PubMed 38510713 (cited by Labcorp Genetics (formerly Invitae), Labcorp); PubMed 40339755 (cited by Labcorp Genetics (formerly Invitae), Labcorp).